The following is an entry in ClinVar:

NM_006231.4(POLE):c.5332G>C (p.Ala1778Pro)

Gene: POLE (DNA polymerase epsilon, catalytic subunit; minus strand). Cytogenetic location: 12q24.33.
Variant type: single nucleotide variant.
Coding change: c.5332G>C on transcript NM_006231.4 (MANE Select); coding-DNA position 5332, G replaced by C.
Protein change: p.Ala1778Pro; replaces alanine 1778 with proline.
Molecular consequence: missense variant.
Genome position (GRCh38, 1-based): chr12:132,641,693, C>G on the plus strand (G>C on the coding strand, the complement: POLE is on the minus strand). VCF-style: chr12-132641693-C-G. GRCh37 (hg19) VCF-style: chr12-133218279-C-G.
Other names: short protein forms A1778P.
Identifiers: ClinVar variation 5027072 (VCV005027072.1).

ClinVar aggregate classification (germline): Uncertain significance (1 of 4 stars; one submission).

Conditions:
Hereditary cancer-predisposing syndrome. Also called: Neoplastic Syndromes, Hereditary; Tumor predisposition; Hereditary neoplastic syndrome; Hereditary Cancer Syndrome. Identifiers: Orphanet 140162, MedGen C0027672, MeSH D009386, MONDO:0015356.

Submission:

Ambry Genetics
Classification: Uncertain significance for Hereditary cancer-predisposing syndrome. Last evaluated: 2026-07-13. Review status: criteria provided, single submitter. Criteria: Ambry Variant Classification Scheme 2023. Collection method: clinical testing. Allele origin: germline.
Comment: The p.A1778P variant (also known as c.5332G>C), located in coding exon 39 of the POLE gene, results from a G to C substitution at nucleotide position 5332. The alanine at codon 1778 is replaced by proline, an amino acid with highly similar properties. This amino acid position is conserved. In addition, this alteration is predicted to be tolerated by in silico analysis. Based on the available evidence, the clinical significance of this variant remains unclear.